The following is an entry in ClinVar:

NM_022455.5(NSD1):c.1596C>T (p.Asn532=)

Gene: NSD1 (nuclear receptor binding SET domain protein 1; plus strand). Cytogenetic location: 5q35.3.
Variant type: single nucleotide variant.
Coding change: c.1596C>T on transcript NM_022455.5 (MANE Select); coding-DNA position 1596, C replaced by T.
Protein change: p.Asn532=; no amino-acid change (asparagine 532 retained).
Molecular consequence: synonymous variant.
Genome position (GRCh38, 1-based): chr5:177,209,995, C>T. VCF-style: chr5-177209995-C-T. GRCh37 (hg19) VCF-style: chr5-176636996-C-T.
Other names: c.723C>T, p.Asn241= (NM_001365684.2, NM_001409306.1, NM_001409307.1 and 3 more transcripts); c.1596C>T, p.Asn532= (NM_001409301.1, NM_001409302.1, NM_001409303.1); c.1176C>T, p.Asn392= (NM_001409304.1); c.843C>T, p.Asn281= (NM_001409305.1).
Identifiers: ClinVar variation 512369 (VCV000512369.1), dbSNP rs1554188977, ClinGen allele CA447960581.

ClinVar aggregate classification (germline): Likely benign (1 of 4 stars; one submission).

gnomAD v4.1: 1 of 1,614,082 alleles (0.000062%); no homozygotes.

Submission:

GeneDx
Classification: Likely benign. Last evaluated: 2017-09-28. Review status: criteria provided, single submitter. Criteria: GeneDx Variant Classification (06012015). Collection method: clinical testing. Allele origin: germline. Affected: yes.
Comment: This variant is considered likely benign or benign based on one or more of the following criteria: it is a conservative change, it occurs at a poorly conserved position in the protein, it is predicted to be benign by multiple in silico algorithms, and/or has population frequency not consistent with disease.